The following is an entry in ClinVar:

ClinVar aggregate classification (germline): Pathogenic/Likely pathogenic. Review status: criteria provided, multiple submitters, no conflicts (2 of 4 stars). 4 submissions from 4 submitters: Pathogenic (3); Likely pathogenic (1). Last evaluated 2026-09-24.

Conditions:
Pheochromocytoma/paraganglioma syndrome 5. Also called: Paragangliomas 5; SDHA-Related Hereditary Paraganglioma-Pheochromocytoma Syndrome. Identifiers: Orphanet 29072, MedGen C3279992, MONDO:0013602, OMIM 614165.
Hereditary cancer-predisposing syndrome. Also called: Neoplastic Syndromes, Hereditary; Tumor predisposition; Hereditary Cancer Syndrome; Hereditary neoplastic syndrome. Identifiers: Orphanet 140162, MedGen C0027672, MeSH D009386, MONDO:0015356.
Gastrointestinal stromal tumor. Also called: Gastrointestinal stromal tumor, somatic; Gastrointestinal stroma tumor. Identifiers: Orphanet 44890, MedGen C0238198, MeSH D046152, MONDO:0011719, OMIM 606764, HP:0100723.

Submissions (4):

Myriad Genetics, Inc.
Classification: Pathogenic for Pheochromocytoma/paraganglioma syndrome 5. Last evaluated: 2026-09-24. Review status: criteria provided, single submitter. Criteria: Myriad Autosomal Dominant, Autosomal Recessive and X-Linked Classification Criteria (2023). Collection method: clinical testing. Allele origin: unknown.
Comment: This variant is considered pathogenic. This variant creates a termination codon and is predicted to result in premature protein truncation.

Ambry Genetics
Classification: Pathogenic for Hereditary cancer-predisposing syndrome. Last evaluated: 2021-11-02. Review status: criteria provided, single submitter. Criteria: Ambry Variant Classification Scheme 2023. Collection method: clinical testing. Allele origin: germline.
Comment: The p.Q176* pathogenic mutation (also known as c.526C>T), located in coding exon 5 of the SDHA gene, results from a C to T substitution at nucleotide position 526. This changes the amino acid from a glutamine to a stop codon within coding exon 5. This variant is considered to be rare based on population cohorts in the Genome Aggregation Database (gnomAD). This alteration is expected to result in loss of function by premature protein truncation or nonsense-mediated mRNA decay. As such, this alteration is interpreted as a disease-causing mutation.

“Giorgio Prodi” Cancer Research Center, University of Bologna
Classification: Pathogenic for Gastrointestinal stromal tumor. Last evaluated: 2021-10-01. Review status: criteria provided, single submitter. Criteria: ACMG Guidelines, 2015. Collection method: research. Allele origin: somatic. Affected: yes. Observed: 1 variant allele.

Juno Genomics, Hangzhou Juno Genomics, Inc
Classification: Likely pathogenic for Pheochromocytoma/paraganglioma syndrome 5. Review status: criteria provided, single submitter. Criteria: ACMG Guidelines, 2015. Collection method: clinical testing. Allele origin: germline.
Comment: Null variant in a gene where loss of function (LOF) is a known mechanism of disease.;Absent from controls (or at extremely low frequency if recessive) in Genome Aggregation Database.

NM_004168.4(SDHA):c.526C>T (p.Gln176Ter)

Gene: SDHA (succinate dehydrogenase complex flavoprotein subunit A; plus strand). Cytogenetic location: 5p15.33.
Variant type: single nucleotide variant.
Coding change: c.526C>T on transcript NM_004168.4 (MANE Select); coding-DNA position 526, C replaced by T.
Protein change: p.Gln176Ter; replaces glutamine 176 with a stop codon.
Molecular consequence: nonsense.
Genome position (GRCh38, 1-based): chr5:225,952, C>T. VCF-style: chr5-225952-C-T. GRCh37 (hg19) VCF-style: chr5-226067-C-T.
Other names: c.382C>T, p.Gln128Ter (NM_001294332.2); c.526C>T, p.Gln176Ter (NM_001330758.2); c.526C>T (NM_004168.2); short protein forms Q128*, Q176*.
Identifiers: ClinVar variation 1325697 (VCV001325697.5), dbSNP rs2126549741, ClinGen allele CA359010208.